The following is an entry in ClinVar:

ClinVar aggregate classification (germline): Pathogenic (1 of 4 stars; one submission).

Conditions:
Paget disease of bone 2, early-onset (PDB2). Also called: Paget disease of bone 2. Identifiers: MedGen C4085251, MONDO:0011183, OMIM 602080.
Frontotemporal dementia and/or amyotrophic lateral sclerosis 1 (FTDALS1). Also called: Frontotemporal dementia with motor neuron disease 1; C9orf72 Frontotemporal Dementia and/or Amyotrophic Lateral Sclerosis. Identifiers: Orphanet 275872, MedGen C5779877, MONDO:0007105, OMIM 105550.

Allele frequency attached by ClinVar (database versions not stated): gnomAD exomes below 0.00001.

Submission:

Labcorp Genetics (formerly Invitae), Labcorp
Classification: Pathogenic for Paget disease of bone 2, early-onset; Frontotemporal dementia and/or amyotrophic lateral sclerosis 1. Last evaluated: 2020-02-12. Review status: criteria provided, single submitter. Criteria: Invitae Variant Classification Sherloc (09022015). Collection method: clinical testing. Allele origin: germline.
Comment: This sequence change creates a premature translational stop signal (p.Glu82*) in the SQSTM1 gene. It is expected to result in an absent or disrupted protein product. Loss-of-function variants in SQSTM1 are known to be pathogenic (PMID: 27545679, 29959261). Algorithms developed to predict the effect of sequence changes on RNA splicing suggest that this variant may create or strengthen a splice site, but this prediction has not been confirmed by published transcriptional studies. This variant has not been reported in the literature in individuals with SQSTM1-related conditions. This variant is not present in population databases (ExAC no frequency). For these reasons, this variant has been classified as Pathogenic.

Literature cited by the submitters: PubMed 27545679; PubMed 29959261.

NM_003900.5(SQSTM1):c.244G>T (p.Glu82Ter)

Gene: SQSTM1 (sequestosome 1; plus strand). Cytogenetic location: 5q35.3.
Variant type: single nucleotide variant.
Coding change: c.244G>T on transcript NM_003900.5 (MANE Select); coding-DNA position 244, G replaced by T.
Protein change: p.Glu82Ter; replaces glutamic acid 82 with a stop codon.
Molecular consequence: nonsense. On other transcripts: 5 prime UTR variant (2).
Genome position (GRCh38, 1-based): chr5:179,822,996, G>T. VCF-style: chr5-179822996-G-T. GRCh37 (hg19) VCF-style: chr5-179249996-G-T.
Other names: c.-9G>T (NM_001142298.2, NM_001142299.2); short protein forms E82*.
Identifiers: ClinVar variation 1076912 (VCV001076912.7), dbSNP rs1425863340, ClinGen allele CA362443062.